The following is an entry in ClinVar:

NM_000132.4(F8):c.338A>G (p.His113Arg)

Gene: F8 (coagulation factor VIII; minus strand). Cytogenetic location: Xq28.
Variant type: single nucleotide variant.
Coding change: c.338A>G on transcript NM_000132.4 (MANE Select); coding-DNA position 338, A replaced by G.
Protein change: p.His113Arg; replaces histidine 113 with arginine.
Molecular consequence: missense variant.
Genome position (GRCh38, 1-based): chrX:154,997,023, T>C on the plus strand (A>G on the coding strand, the complement: F8 is on the minus strand). VCF-style: chrX-154997023-T-C. GRCh37 (hg19) VCF-style: chrX-154225298-T-C.
Other names: short protein forms H113R.
Identifiers: ClinVar variation 3769282 (VCV003769282.2).

ClinVar aggregate classification (germline): Pathogenic (1 of 4 stars; one submission).

Conditions:
Hereditary factor VIII deficiency disease (HEMA). Also called: HEMOPHILIA, CLASSIC; AUTOSOMAL HEMOPHILIA A; Hemophilia A; Hemophilia A, congenital; HEM A; Factor 8 deficiency, congenital. Identifiers: Orphanet 98878, MedGen C0019069, MONDO:0010602, OMIM 306700.

Submission:

Women's Health and Genetics/Laboratory Corporation of America, LabCorp
Classification: Pathogenic for Hereditary factor VIII deficiency disease. Last evaluated: 2025-01-03. Review status: criteria provided, single submitter. Criteria: LabCorp Variant Classification Summary - May 2015. Collection method: clinical testing. Allele origin: germline.
Comment: Variant summary: F8 c.338A>G (p.His113Arg) results in a non-conservative amino acid change in the encoded protein sequence. Three of five in-silico tools predict a damaging effect of the variant on protein function. The variant was absent in 183423 control chromosomes (gnomAD). c.338A>G has been reported in the literature in multiple individuals affected with Factor VIII Deficiency (Hemophilia A, e.g. Awidi_2010). These data indicate that the variant is very likely to be associated with disease. To our knowledge, no experimental evidence demonstrating an impact on protein function has been reported. The following publication has been ascertained in the context of this evaluation (PMID: 19817879). No submitters have cited clinical-significance assessments for this variant to ClinVar. Based on the evidence outlined above, the variant was classified as pathogenic.

Literature cited by the submitters: PubMed 19817879.